The following is an entry in ClinVar:

NM_206933.4(USH2A):c.6050-6893T>A

Gene: USH2A (usherin; minus strand). Cytogenetic location: 1q41.
Variant type: single nucleotide variant.
Coding change: c.6050-6893T>A on transcript NM_206933.4 (MANE Select); 6893 bases into the intron before coding-DNA position 6050, T replaced by A.
Molecular consequence: intron variant.
Genome position (GRCh38, 1-based): chr1:216,055,540, A>T on the plus strand (T>A on the coding strand, the complement: USH2A is on the minus strand). VCF-style: chr1-216055540-A-T. GRCh37 (hg19) VCF-style: chr1-216228882-A-T.
Identifiers: ClinVar variation 3338151 (VCV003338151.1).
Genomic context (GRCh38, chr1:216,055,540, plus strand): 5'-AACCAACCCAGTGGATGGATTAAAGAGAGTAATCAATCCAATATGCCATGCTTCCTGACC[A>T]CTTAAAGGAACCTCTGAAAATAAAGTTCTAACACAGACATTTTGACACAGTGATCCCATG-3'

ClinVar aggregate classification (germline): Uncertain significance (0 of 4 stars; one submission).

Conditions:
Hearing impairment. Also called: Impaired Hearing. Identifiers: MedGen C1384666, MONDO:0005365, HP:0000365.

gnomAD v4.1: 30 of 152,332 alleles (0.02%); highest among the groups gnomAD compares: Non-Finnish European, 0.038%; no homozygotes.

Submission:

Joint Genome Diagnostic Labs from Nijmegen and Maastricht, Radboudumc and MUMC+
Classification: Uncertain significance for hearing impairment. Review status: no assertion criteria provided. Collection method: clinical testing. Allele origin: germline. Affected: yes.